The following is an entry in ClinVar:

ClinVar aggregate classification (germline): Uncertain significance (1 of 4 stars; one submission).

gnomAD v4.1: 2 of 1,584,260 alleles (0.00013%); highest among the groups gnomAD compares: Admixed American, 0.0018%; no homozygotes.

Submission:

Dasa
Classification: Uncertain significance. Last evaluated: 2025-01-06. Review status: criteria provided, single submitter. Criteria: DASA Assertion Criteria. Collection method: clinical testing. Allele origin: germline.
Comment: NM_021096.4(CACNA1I):c.5218G>A (p.Ala1740Thr) is a missense variant that results in the substitution of alanine with threonine. This variant is rare in population databases. Computational prediction algorithms are consistent with a benign effect. The currently available literature and clinical evidence are not sufficient to establish a definitive association between this variant and the reported condition. Therefore, this variant is classified as a variant of uncertain significance.

NM_021096.4(CACNA1I):c.5218G>A (p.Ala1740Thr)

Gene: CACNA1I (calcium voltage-gated channel subunit alpha1 I; plus strand). Cytogenetic location: 22q13.1.
Variant type: single nucleotide variant.
Coding change: c.5218G>A on transcript NM_021096.4 (MANE Select); coding-DNA position 5218, G replaced by A.
Protein change: p.Ala1740Thr; replaces alanine 1740 with threonine.
Molecular consequence: missense variant.
Genome position (GRCh38, 1-based): chr22:39,679,269, G>A. VCF-style: chr22-39679269-G-A. GRCh37 (hg19) VCF-style: chr22-40075274-G-A.
Other names: c.5113G>A, p.Ala1705Thr (NM_001003406.2); short protein forms A1705T, A1740T.
Identifiers: ClinVar variation 4883793 (VCV004883793.2).